The following is an entry in ClinVar:

ClinVar aggregate classification (germline): Uncertain significance. Review status: criteria provided, multiple submitters, no conflicts (2 of 4 stars). 3 submissions from 3 submitters: Uncertain significance (3). Last evaluated 2025-02-26.

Conditions:
Koolen-de Vries syndrome (KDVS). Identifiers: Orphanet 96169, MedGen C1864871, MONDO:0012496, OMIM 610443.
Inborn genetic diseases. Identifiers: MedGen C0950123, MeSH D030342.

Allele frequency attached by ClinVar (database versions not stated): TOPMed 0.00001.
gnomAD v4.1: 3 of 1,608,074 alleles (0.00019%); highest among the groups gnomAD compares: African/African-American, 0.0013%; no homozygotes.

Submissions (3):

Labcorp Genetics (formerly Invitae), Labcorp
Classification: Uncertain significance for Koolen-de Vries syndrome. Last evaluated: 2025-02-26. Review status: criteria provided, single submitter. Criteria: Invitae Variant Classification Sherloc (09022015). Collection method: clinical testing. Allele origin: germline.
Comment: This sequence change replaces cysteine, which is neutral and slightly polar, with tyrosine, which is neutral and polar, at codon 539 of the KANSL1 protein (p.Cys539Tyr). This variant is present in population databases (no rsID available, gnomAD 0.007%). This variant has not been reported in the literature in individuals affected with KANSL1-related conditions. ClinVar contains an entry for this variant (Variation ID: 468395). Invitae Evidence Modeling of protein sequence and biophysical properties (such as structural, functional, and spatial information, amino acid conservation, physicochemical variation, residue mobility, and thermodynamic stability) indicates that this missense variant is not expected to disrupt KANSL1 protein function with a negative predictive value of 80%. In summary, the available evidence is currently insufficient to determine the role of this variant in disease. Therefore, it has been classified as a Variant of Uncertain Significance.

Ambry Genetics
Classification: Uncertain significance for Inborn genetic diseases. Last evaluated: 2024-11-26. Review status: criteria provided, single submitter. Criteria: Ambry Variant Classification Scheme 2023. Collection method: clinical testing. Allele origin: germline.

Fulgent Genetics
Classification: Uncertain significance for Koolen-de Vries syndrome. Last evaluated: 2021-09-20. Review status: criteria provided, single submitter. Criteria: ACMG Guidelines, 2015. Collection method: clinical testing. Allele origin: unknown.

NM_015443.4(KANSL1):c.1616G>A (p.Cys539Tyr)

Gene: KANSL1 (KAT8 regulatory NSL complex subunit 1). Cytogenetic location: 17q21.31.
Variant type: single nucleotide variant.
Coding change: c.1616G>A on transcript NM_015443.4 (MANE Select); coding-DNA position 1616, G replaced by A.
Protein change: p.Cys539Tyr; replaces cysteine 539 with tyrosine.
Molecular consequence: missense variant.
Genome position (GRCh38, 1-based): chr17:46,067,585, C>T on the plus strand (G>A on the coding strand, the complement: KANSL1 is on the minus strand). VCF-style: chr17-46067585-C-T. GRCh37 (hg19) VCF-style: chr17-44144951-C-T.
Other names: c.1616G>A, p.Cys539Tyr (NM_001193465.2, NM_001193466.2, NM_001379198.1); short protein forms C539Y.
Identifiers: ClinVar variation 468395 (VCV000468395.10), dbSNP rs776741181, ClinGen allele CA291126732.
Genomic context (GRCh38, chr17:46,067,585, plus strand): 5'-GGAAGTAGAAGAGCTAAAACTTACGTGTTAATAACTCCATTGACAGGTCTGAGTGCTCCA[C>T]ATGATTTGGTAGACAGTGACTCTGAAATATGACCAATAATAGGGGCACCATGGTTTTCCA-3'
Protein context (NP_056258.1, residues 529-549): HISESLSTKS[Cys539Tyr]GALRPVNGVI